The following is an entry in ClinVar:

NM_001287491.2(TET3):c.3847T>A (p.Ser1283Thr)

Gene: TET3 (tet methylcytosine dioxygenase 3; plus strand). Cytogenetic location: 2p13.1.
Variant type: single nucleotide variant.
Coding change: c.3847T>A on transcript NM_001287491.2 (MANE Select); coding-DNA position 3847, T replaced by A.
Protein change: p.Ser1283Thr; replaces serine 1283 with threonine.
Molecular consequence: missense variant.
Genome position (GRCh38, 1-based): chr2:74,100,635, T>A. VCF-style: chr2-74100635-T-A. GRCh37 (hg19) VCF-style: chr2-74327762-T-A.
Other names: c.3568T>A, p.Ser1190Thr (NM_001366022.1); c.3442T>A, p.Ser1148Thr (NM_144993.1); short protein forms S1148T, S1190T, S1283T.
Identifiers: ClinVar variation 2672820 (VCV002672820.23), dbSNP rs376750227, ClinGen allele CA1719101.
Genomic context (GRCh38, chr2:74,100,635, plus strand): 5'-TACTATGCACAGCCCAGCCTGACCTCCGTCAATGGCTTCCACTCCAAGTACGCTCTCCCG[T>A]CTTTTAGCTACTATGGCTTTCCATCCAGCAACCCCGTCTTCCCCTCTCAGTTCCTGGGTC-3'
Protein context (NP_001274420.1, residues 1273-1293): NGFHSKYALP[Ser1283Thr]FSYYGFPSSN

ClinVar aggregate classification (germline): Uncertain significance (1 of 4 stars; one submission).

Allele frequency attached by ClinVar (database versions not stated): ExAC 0.00005; ESP Exome Variant Server 0.00008; gnomAD 0.00008; gnomAD exomes 0.00008; TOPMed 0.00010.
gnomAD v4.1: 131 of 1,613,918 alleles (0.0081%); highest among the groups gnomAD compares: Non-Finnish European, 0.01%; no homozygotes.

Submission:

CeGaT Center for Human Genetics Tuebingen
Classification: Uncertain significance. Last evaluated: 2023-11-01. Review status: criteria provided, single submitter. Criteria: CeGaT Center For Human Genetics Tuebingen Variant Classification Criteria Version 2. Collection method: clinical testing. Allele origin: germline. Affected: yes. Observed: 1 variant allele.
Comment: TET3: PM2, BP4